The following is an entry in ClinVar:

NM_000545.8(HNF1A):c.394G>A (p.Glu132Lys)

Gene: HNF1A (HNF1 homeobox A; plus strand). Cytogenetic location: 12q24.31.
Variant type: single nucleotide variant.
Coding change: c.394G>A on transcript NM_000545.8 (MANE Select); coding-DNA position 394, G replaced by A.
Protein change: p.Glu132Lys; replaces glutamic acid 132 with lysine.
Molecular consequence: missense variant.
Genome position (GRCh38, 1-based): chr12:120,988,900, G>A. VCF-style: chr12-120988900-G-A. GRCh37 (hg19) VCF-style: chr12-121426703-G-A.
Other names: NM_001306179.2:c.394G>A; c.394G>A, p.Glu132Lys (NM_001306179.2, NM_001406915.1); short protein forms E132K.
Identifiers: ClinVar variation 3238982 (VCV003238982.2), dbSNP rs2499987564.
Genomic context (GRCh38, chr12:120,988,900, plus strand): 5'-CCGTGGCGTGTGGCGAAGATGGTCAAGTCCTACCTGCAGCAGCACAACATCCCACAGCGG[G>A]AGGTGGTCGATACCACTGGCCTCAACCAGTCCCACCTGTCCCAACACCTCAACAAGGGCA-3'
Protein context (NP_000536.6, residues 122-142): YLQQHNIPQR[Glu132Lys]VVDTTGLNQS

ClinVar aggregate classification (germline): Pathogenic. Review status: reviewed by expert panel (3 of 4 stars). 2 submissions from 2 submitters: Pathogenic (1). 1 of the submissions does not count toward it. Last evaluated 2024-06-09.

Conditions:
Maturity-onset diabetes of the young (MODY). Also called: Maturity onset diabetes mellitus in young. Identifiers: Orphanet 552, MedGen C0342276, MONDO:0018911, HP:0004904.
Monogenic diabetes. Identifiers: Orphanet 183625, MedGen C3888631, MONDO:0015967.

Submissions (2):

ClinGen Monogenic Diabetes Variant Curation Expert Panel
Classification: Pathogenic for Monogenic diabetes. Last evaluated: 2024-06-09. Review status: reviewed by expert panel. Criteria: ClinGen Diabetes ACMG Specifications HNF1A V2.1.0. Collection method: curation. Allele origin: germline. Inheritance: Autosomal dominant inheritance.
Comment: The c.394G>A variant in the HNF1 homeobox A gene, HNF1A, causes an amino acid change of glutamic acid to lysine at codon 132 (p.(Glu132Lys)) of NM_000545.8. This variant is absent from gnomAD v2.1.1 (PM2_Supporting). This variant resides in an amino acid within the HNF1α DNA binding domain that directly binds DNA, which is defined as critical for the protein’s function by the ClinGen MDEP (PM1). This variant is predicted to be deleterious by computational evidence, with a REVEL score of 0.972, which is greater than the MDEP VCEP threshold of 0.70 (PP3). This variant was identified in 3 unrelated individuals with non-autoimmune and non-absolute/near-absolute insulin-deficient diabetes; however, PS4_Moderate cannot be applied because this number is below the ClinGen MDEP threshold (PMIDs: 17407387, 11272211, internal lab contributors). This variant was segregated with diabetes/hyperglycemia, with 6 informative meioses in 2 families (PP1_Strong; internal lab contributors). This variant was identified in an individual with a clinical history highly specific for HNF1A-MODY (MODY probability calculator result >50%, negative genetic testing for HNF4A, and negative antibodies) (PP4_Moderate; internal lab contributors). In summary, c.394G>A meets the criteria to be classified as pathogenic for monogenic diabetes. ACMG/AMP criteria applied, as specified by the ClinGen MDEP (specification version 2.1.0, approved 8/11/2023): PM2_supporting, PM1, PP3, PP1_strong, PP4_moderate.

Women's Health and Genetics/Laboratory Corporation of America, LabCorp
Classification: Pathogenic for Maturity-onset diabetes of the young. Last evaluated: 2026-04-27. Review status: criteria provided, single submitter. Criteria: LabCorp Variant Classification Summary - May 2015. Collection method: clinical testing. Allele origin: germline. Not counted in ClinVar's aggregate classification.
Comment: Variant summary: HNF1A c.394G>A (p.Glu132Lys) results in a conservative amino acid change in the encoded protein sequence. Algorithms developed to predict the effect of missense changes on protein structure and function are either unavailable or do not agree on the potential impact of this missense change. The variant was absent in 251400 control chromosomes (gnomAD). c.394G>A has been observed in individuals affected with Maturity Onset Diabetes Of The Young 3 (e.g. Frayling_2001, Saint-Martin_2022). These data indicate that the variant is likely to be associated with disease. At least one publication reports experimental evidence evaluating an impact on protein function. The most pronounced variant effect results in <10% of normal activity (Chi_2002). The following publications have been ascertained in the context of this evaluation (PMID: 11272211, 17407387, 14633861, 34556497, 12453420). ClinVar contains an entry for this variant (Variation ID: 3238982). Based on the evidence outlined above, the variant was classified as pathogenic.

Literature cited by the submitters: PubMed 17407387 (cited by Women's Health and Genetics/Laboratory Corporation of America, LabCorp); PubMed 12453420 (cited by Women's Health and Genetics/Laboratory Corporation of America, LabCorp); PubMed 11272211 (cited by Women's Health and Genetics/Laboratory Corporation of America, LabCorp); PubMed 34556497 (cited by Women's Health and Genetics/Laboratory Corporation of America, LabCorp); PubMed 14633861 (cited by Women's Health and Genetics/Laboratory Corporation of America, LabCorp).